The following is an entry in ClinVar:

NM_001083962.2(TCF4):c.146-6C>T

Genes: TCF4 (transcription factor 4; minus strand), TCF4-AS1 (TCF4 antisense RNA 1; plus strand). Cytogenetic location: 18q21.2.
Variant type: single nucleotide variant.
Coding change: c.146-6C>T on transcript NM_001083962.2 (MANE Select); 6 bases into the intron before coding-DNA position 146, C replaced by T.
Molecular consequence: intron variant.
Genome position (GRCh38, 1-based): chr18:55,464,143, G>A on the plus strand (C>T on the coding strand, the complement: TCF4 is on the minus strand). VCF-style: chr18-55464143-G-A. GRCh37 (hg19) VCF-style: chr18-53131374-G-A.
Other names: c.452-6C>T (NM_001243226.3); c.74-6C>T (NM_001369584.1, NM_001369576.1, NM_001369577.1 and 15 more transcripts); c.146-6C>T (NM_001369571.1, NM_001369567.1, NM_001243228.2 and 8 more transcripts); c.140-6C>T (NM_001243230.2); c.20-6C>T (NM_001243231.2, NM_001348211.2).
Identifiers: ClinVar variation 1722852 (VCV001722852.2), dbSNP rs1252600996, ClinGen allele CA630174436.

ClinVar aggregate classification (germline): Uncertain significance (1 of 4 stars; one submission).

Allele frequency attached by ClinVar (database versions not stated): gnomAD exomes below 0.00001.
gnomAD v4.1: 2 of 1,613,894 alleles (0.00012%); highest among the groups gnomAD compares: East Asian, 0.0022%; no homozygotes.

Submission:

GeneDx
Classification: Uncertain significance. Last evaluated: 2022-05-02. Review status: criteria provided, single submitter. Criteria: GeneDx Variant Classification Process June 2021. Collection method: clinical testing. Allele origin: germline. Affected: yes.
Comment: In silico analysis supports that this variant does not alter splicing; Has not been previously published as pathogenic or benign to our knowledge